The following is an entry in ClinVar:

NM_001286577.2(C2CD3):c.5980A>G (p.Thr1994Ala)

Gene: C2CD3 (C2 domain containing 3 centriole elongation regulator; minus strand). Cytogenetic location: 11q13.4.
Variant type: single nucleotide variant.
Coding change: c.5980A>G on transcript NM_001286577.2 (MANE Select); coding-DNA position 5980, A replaced by G.
Protein change: p.Thr1994Ala; replaces threonine 1994 with alanine.
Molecular consequence: missense variant.
Genome position (GRCh38, 1-based): chr11:74,034,180, T>C on the plus strand (A>G on the coding strand, the complement: C2CD3 is on the minus strand). VCF-style: chr11-74034180-T-C. GRCh37 (hg19) VCF-style: chr11-73745225-T-C.
Other names: short protein forms T1994A.
Identifiers: ClinVar variation 1479056 (VCV001479056.3), dbSNP rs1310852348, ClinGen allele CA381821978.

ClinVar aggregate classification (germline): Uncertain significance (1 of 4 stars; one submission).

Allele frequency attached by ClinVar (database versions not stated): TOPMed 0.00001; gnomAD 0.00002; gnomAD exomes 0.00002.
gnomAD v4.1: 35 of 1,536,136 alleles (0.0023%); highest among the groups gnomAD compares: East Asian, 0.012%; no homozygotes.

Submission:

Labcorp Genetics (formerly Invitae), Labcorp
Classification: Uncertain significance. Last evaluated: 2021-08-29. Review status: criteria provided, single submitter. Criteria: Invitae Variant Classification Sherloc (09022015). Collection method: clinical testing. Allele origin: germline.
Comment: This sequence change replaces threonine with alanine at codon 1994 of the C2CD3 protein (p.Thr1994Ala). The C2CD3 gene has multiple clinically relevant transcripts. This variant occurs in alternate transcript NM_001286577.1, and corresponds to NM_015531.5:c.*418A>G in the primary transcript. The frequency data for this variant in the population databases is considered unreliable, as metrics indicate insufficient coverage at this position in the ExAC database. This variant has not been reported in the literature in individuals affected with C2CD3-related conditions. Experimental studies and prediction algorithms are not available or were not evaluated, and the functional significance of this variant is currently unknown. In summary, the available evidence is currently insufficient to determine the role of this variant in disease. Therefore, it has been classified as a Variant of Uncertain Significance.